The following is an entry in ClinVar:

ClinVar aggregate classification (germline): Likely pathogenic (1 of 4 stars; one submission).

Conditions:
Neurodevelopmental disorder with hypotonia, stereotypic hand movements, and impaired language. Also called: Intellectual disability, autosomal dominant 20. Identifiers: Orphanet 228384, Orphanet 664410, MedGen C3150700, MONDO:0013266, OMIM 613443.

Submission:

Victorian Clinical Genetics Services, Murdoch Childrens Research Institute
Classification: Likely pathogenic for Neurodevelopmental disorder with hypotonia, stereotypic hand movements, and impaired language. Last evaluated: 2025-11-16. Review status: criteria provided, single submitter. Criteria: ACMG Guidelines, 2015. Collection method: clinical testing. Allele origin: germline. Affected: yes.
Comment: This variant is classified as Likely pathogenic. Evidence in support of pathogenic classification: Variant is absent from gnomAD (v2, v3 and v4); Variant is located in a hotspot region or cluster of PATHOGENIC variants (DECIPHER); Missense variant predicted to be damaging by in silico tool(s) or highly conserved with a major amino acid change; Additional information: Variant is predicted to result in a missense amino acid change from Thr to Lys; This variant is heterozygous; This gene is associated with autosomal dominant disease; This variant has no previous evidence of pathogenicity; No published evidence of segregation with disease has been identified for this variant; No published functional evidence has been identified for this variant; Other missense variants comparable to the one identified in this case have conflicting previous evidence for pathogenicity. p.(Thr20Ser) and p.(Thr20Ile) have been classified as likely pathogenic and a variant of uncertain significance, respectively, by clinical laboratories in ClinVar. p.(Thr20Ala) has also been classified as a variant of uncertain significance in ClinVar and has been reported in the literature as de novo in an individual with autism spectrum disorder (PMID: 33004838). Furthermore, in vitro studies suggest p.(Thr20Ala) disrupts phosphorylation and DNA binding that activates neuronal survival pathways (PMID: 15735306); Loss of function is a known mechanism of disease in this gene and is associated with neurodevelopmental disorder with hypotonia, stereotypic hand movements, and impaired language (MIM#613443).

Literature cited by the submitters: PubMed 15735306; PubMed 33004838.

NM_002397.5(MEF2C):c.59C>A (p.Thr20Lys)

Gene: MEF2C (myocyte enhancer factor 2C; minus strand). Cytogenetic location: 5q14.3.
Variant type: single nucleotide variant.
Coding change: c.59C>A on transcript NM_002397.5 (MANE Select); coding-DNA position 59, C replaced by A.
Protein change: p.Thr20Lys; replaces threonine 20 with lysine.
Molecular consequence: missense variant.
Genome position (GRCh38, 1-based): chr5:88,804,797, G>T on the plus strand (C>A on the coding strand, the complement: MEF2C is on the minus strand). VCF-style: chr5-88804797-G-T. GRCh37 (hg19) VCF-style: chr5-88100614-G-T.
Other names: c.59C>A, p.Thr20Lys (NM_001193350.2, NM_001308002.3, NM_001363581.2 and 29 more transcripts); short protein forms T20K.
Identifiers: ClinVar variation 4532004 (VCV004532004.1).